The following is an entry in ClinVar:

NM_005051.3(QARS1):c.1276C>A (p.His426Asn)

Gene: QARS1 (glutaminyl-tRNA synthetase 1; minus strand). Cytogenetic location: 3p21.31.
Variant type: single nucleotide variant.
Coding change: c.1276C>A on transcript NM_005051.3 (MANE Select); coding-DNA position 1276, C replaced by A.
Protein change: p.His426Asn; replaces histidine 426 with asparagine.
Molecular consequence: missense variant. On other transcripts: non-coding transcript variant (1).
Genome position (GRCh38, 1-based): chr3:49,099,980, G>T on the plus strand (C>A on the coding strand, the complement: QARS1 is on the minus strand). VCF-style: chr3-49099980-G-T. GRCh37 (hg19) VCF-style: chr3-49137413-G-T.
Other names: c.1243C>A, p.His415Asn (NM_001272073.2); short protein forms H415N, H426N.
Identifiers: ClinVar variation 2150343 (VCV002150343.2), dbSNP rs1402402195, ClinGen allele CA352708529.

ClinVar aggregate classification (germline): Uncertain significance (1 of 4 stars; one submission).

Conditions:
Diffuse cerebral and cerebellar atrophy - intractable seizures - progressive microcephaly syndrome. Also called: Microcephaly, progressive, with seizures and cerebral and cerebellar atrophy. Identifiers: Orphanet 404437, MedGen C4014239, MONDO:0014335, OMIM 615760.

Allele frequency attached by ClinVar (database versions not stated): TOPMed 0.00001.
gnomAD v4.1: 82 of 1,614,066 alleles (0.0051%); highest among the groups gnomAD compares: Non-Finnish European, 0.0069%; no homozygotes.

Submission:

Labcorp Genetics (formerly Invitae), Labcorp
Classification: Uncertain significance for Diffuse cerebral and cerebellar atrophy - intractable seizures - progressive microcephaly syndrome. Last evaluated: 2022-06-24. Review status: criteria provided, single submitter. Criteria: Invitae Variant Classification Sherloc (09022015). Collection method: clinical testing. Allele origin: germline.
Comment: In summary, the available evidence is currently insufficient to determine the role of this variant in disease. Therefore, it has been classified as a Variant of Uncertain Significance. Algorithms developed to predict the effect of missense changes on protein structure and function are either unavailable or do not agree on the potential impact of this missense change (SIFT: "Tolerated"; PolyPhen-2: "Probably Damaging"; Align-GVGD: "Class C0"). This variant has not been reported in the literature in individuals affected with QARS-related conditions. This variant is present in population databases (no rsID available, gnomAD 0.002%). This sequence change replaces histidine, which is basic and polar, with asparagine, which is neutral and polar, at codon 426 of the QARS protein (p.His426Asn).